The following is an entry in ClinVar:

NM_000260.4(MYO7A):c.4363A>T (p.Lys1455Ter)

Gene: MYO7A (myosin VIIA; plus strand). Cytogenetic location: 11q13.5.
Variant type: single nucleotide variant.
Coding change: c.4363A>T on transcript NM_000260.4 (MANE Select); coding-DNA position 4363, A replaced by T.
Protein change: p.Lys1455Ter; replaces lysine 1455 with a stop codon.
Molecular consequence: nonsense.
Genome position (GRCh38, 1-based): chr11:77,197,520, A>T. VCF-style: chr11-77197520-A-T. GRCh37 (hg19) VCF-style: chr11-76908565-A-T.
Other names: c.4363A>T, p.Lys1455Ter (NM_001127180.2); c.4330A>T, p.Lys1444Ter (NM_001369365.1); short protein forms K1444*, K1455*.
Identifiers: ClinVar variation 1725058 (VCV001725058.2), dbSNP rs2497545192, ClinGen allele CA381950010.

ClinVar aggregate classification (germline): Likely pathogenic (1 of 4 stars; one submission).

Conditions:
Usher syndrome type 1 (USH1). Also called: RETINITIS PIGMENTOSA AND CONGENITAL DEAFNESS. Identifiers: Orphanet 231169, Orphanet 886, MedGen C1568247, MONDO:0010168, OMIM 276900.

Submission:

Myriad Genetics, Inc.
Classification: Likely pathogenic for Usher syndrome type 1. Last evaluated: 2022-03-06. Review status: criteria provided, single submitter. Criteria: Myriad Women's Health Autosomal Recessive and X-Linked Classification Criteria (2021). Collection method: clinical testing. Allele origin: unknown.
Comment: NM_000260.3(MYO7A):c.4363A>T(K1455*) is expected to be pathogenic in the context of MYO7A-related disorders. This variant is predicted to lead to an abnormal or absent protein product due to the creation of a premature termination codon in MYO7A, a gene where loss-of-function variants are known to be pathogenic. Please note: this variant was assessed in the context of healthy population screening.